The following is an entry in ClinVar:

NM_000760.4(CSF3R):c.1761C>T (p.Leu587=)

Gene: CSF3R (colony stimulating factor 3 receptor; minus strand). Cytogenetic location: 1p34.3.
Variant type: single nucleotide variant.
Coding change: c.1761C>T on transcript NM_000760.4 (MANE Select); coding-DNA position 1761, C replaced by T.
Protein change: p.Leu587=; no amino-acid change (leucine 587 retained).
Molecular consequence: synonymous variant.
Genome position (GRCh38, 1-based): chr1:36,467,925, G>A on the plus strand (C>T on the coding strand, the complement: CSF3R is on the minus strand). VCF-style: chr1-36467925-G-A. GRCh37 (hg19) VCF-style: chr1-36933526-G-A.
Other names: c.1761C>T, p.Leu587= (LRG_144t1, NM_156039.3, NM_172313.3).
Identifiers: ClinVar variation 476295 (VCV000476295.51), dbSNP rs149239453, ClinGen allele CA769078.

ClinVar aggregate classification (germline): Conflicting classifications of pathogenicity. Review status: criteria provided, conflicting classifications (1 of 4 stars). 5 submissions from 5 submitters: Uncertain significance (1); Likely benign (4). Last evaluated 2026-03-01.

Conditions:
Autosomal recessive severe congenital neutropenia due to CSF3R deficiency. Also called: Neutropenia, severe congenital, 7, autosomal recessive. Identifiers: Orphanet 420702, MedGen C4310764, MONDO:0014865, OMIM 617014.

Allele frequency attached by ClinVar (database versions not stated): gnomAD exomes 0.00007 and 0.00004; TOPMed 0.00013; gnomAD 0.00014; ESP Exome Variant Server 0.00015; 1000 Genomes Project 0.00040; 1000 Genomes Project 30x 0.00047; ExAC 0.00007.
gnomAD v4.1: 88 of 1,614,218 alleles (0.0055%); highest among the groups gnomAD compares: Middle Eastern, 0.082%; no homozygotes.

Submissions (5):

CeGaT Center for Human Genetics Tuebingen
Classification: Uncertain significance. Last evaluated: 2026-03-01. Review status: criteria provided, single submitter. Criteria: CeGaT Center For Human Genetics Tuebingen Variant Classification Criteria Version 2. Collection method: clinical testing. Allele origin: germline. Affected: yes. Observed: 2 variant alleles.
Comment: CSF3R: PM2:Supporting, BP4

Labcorp Genetics (formerly Invitae), Labcorp
Classification: Likely benign for Autosomal recessive severe congenital neutropenia due to CSF3R deficiency. Last evaluated: 2025-08-31. Review status: criteria provided, single submitter. Criteria: Invitae Variant Classification Sherloc (09022015). Collection method: clinical testing. Allele origin: germline.

Blueprint Genetics
Classification: Likely benign. Last evaluated: 2024-08-22. Review status: criteria provided, single submitter. Criteria: ACMG Guidelines, 2015. Collection method: clinical testing. Allele origin: germline.

Genetic Services Laboratory, University of Chicago
Classification: Likely benign. Last evaluated: 2020-10-27. Review status: criteria provided, single submitter. Criteria: ACMG Guidelines, 2015. Collection method: clinical testing. Allele origin: germline. Affected: no.

Breakthrough Genomics
Classification: Likely benign. Review status: criteria provided, single submitter. Criteria: ACMG Guidelines, 2015. Collection method: not provided. Allele origin: germline. Inheritance: Autosomal recessive inheritance. Affected: yes.